The following is an entry in ClinVar:

NM_024753.5(TTC21B):c.3684+1G>A

Gene: TTC21B (tetratricopeptide repeat domain 21B; minus strand). Cytogenetic location: 2q24.3.
Variant type: single nucleotide variant.
Coding change: c.3684+1G>A on transcript NM_024753.5 (MANE Select); the canonical splice donor site of the intron after coding-DNA position 3684, G replaced by A.
Molecular consequence: splice donor variant.
Genome position (GRCh38, 1-based): chr2:165,883,793, C>T on the plus strand (G>A on the coding strand, the complement: TTC21B is on the minus strand). VCF-style: chr2-165883793-C-T. GRCh37 (hg19) VCF-style: chr2-166740303-C-T.
Identifiers: ClinVar variation 1952802 (VCV001952802.5), dbSNP rs368907623, ClinGen allele CA1941451.

ClinVar aggregate classification (germline): Likely pathogenic (1 of 4 stars; one submission).

Conditions:
Jeune thoracic dystrophy. Also called: Jeune syndrome; Infantile thoracic dystrophy; Thoracic pelvic phalangeal dystrophy; Jeune's syndrome; Chondroectodermal dysplasia-like syndrome; Short-rib thoracic dysplasia. Identifiers: Orphanet 474, MedGen C0265275, MONDO:0018770.
Nephronophthisis. Also called: Juvenile Nephronophthisis. Identifiers: Orphanet 655, MedGen C0687120, MONDO:0019005, HP:0000090.

Allele frequency attached by ClinVar (database versions not stated): gnomAD exomes below 0.00001; ExAC 0.00001.
gnomAD v4.1: 1 of 1,611,454 alleles (0.000062%); highest among the groups gnomAD compares: Non-Finnish European, 0.000085%; no homozygotes.

Submission:

Labcorp Genetics (formerly Invitae), Labcorp
Classification: Likely pathogenic for Jeune thoracic dystrophy; Nephronophthisis. Last evaluated: 2022-10-19. Review status: criteria provided, single submitter. Criteria: Invitae Variant Classification Sherloc (09022015). Collection method: clinical testing. Allele origin: germline.
Comment: This sequence change affects a donor splice site in intron 26 of the TTC21B gene. It is expected to disrupt RNA splicing. Variants that disrupt the donor or acceptor splice site typically lead to a loss of protein function (PMID: 16199547), and loss-of-function variants in TTC21B are known to be pathogenic (PMID: 18327258, 21068128, 21258341, 23559409, 24876116, 25492405, 27491411, 29068549). This variant is present in population databases (rs368907623, gnomAD 0.0009%). This variant has not been reported in the literature in individuals affected with TTC21B-related conditions. Algorithms developed to predict the effect of sequence changes on RNA splicing suggest that this variant may disrupt the consensus splice site. In summary, the currently available evidence indicates that the variant is pathogenic, but additional data are needed to prove that conclusively. Therefore, this variant has been classified as Likely Pathogenic.

Literature cited by the submitters: PubMed 16199547; PubMed 18327258; PubMed 21068128; PubMed 21258341; PubMed 23559409; PubMed 24876116; PubMed 25492405; PubMed 27491411; PubMed 29068549.